The following is an entry in ClinVar:

ClinVar aggregate classification (germline): Pathogenic. Review status: criteria provided, multiple submitters, no conflicts (2 of 4 stars). 7 submissions from 6 submitters: Pathogenic (5). 2 of the submissions do not count toward it. Last evaluated 2026-07-31.

Conditions:
Hypertrophic osteoarthropathy, primary, autosomal dominant. Also called: PHOAD; PACHYDERMOPERIOSTOSIS, AUTOSOMAL DOMINANT; PDP, AUTOSOMAL DOMINANT; PHO, AUTOSOMAL DOMINANT. Identifiers: Orphanet 2796, MedGen C2674695, MONDO:0008172, OMIM 167100.
SLCO2A1-related disorder. Also called: SLCO2A1-related condition.
Hypertrophic osteoarthropathy, primary, autosomal recessive, 2 (PHOAR2E). Also called: HYPERTROPHIC OSTEOARTHROPATHY, PRIMARY, AUTOSOMAL RECESSIVE, 2/ENTEROPATHY SYNDROME; PHOAR2-enteropathy syndrome; PACHYDERMOPERIOSTOSIS, AUTOSOMAL RECESSIVE; PDP, AUTOSOMAL RECESSIVE. Identifiers: Orphanet 2796, MedGen C3280800, MONDO:0013756, OMIM 614441.

Allele frequency attached by ClinVar (database versions not stated): TOPMed below 0.00001; gnomAD 0.00001; gnomAD exomes 0.00001 and 0.00004; ExAC 0.00005.

Submissions (7):

PreventionGenetics, part of Exact Sciences
Classification: Pathogenic for SLCO2A1-related condition. Last evaluated: 2026-07-31. Review status: criteria provided, single submitter. Criteria: ACMG Guidelines, 2015. Collection method: clinical testing. Allele origin: germline.
Comment: The SLCO2A1 c.1807C>T variant is predicted to result in premature protein termination (p.Arg603*). This variant has been reported in the homozygous or compound heterozygous state in individuals with primary hypertrophic osteoarthropathy (PHO) and the heterozygous carriers of this variant may present PHO-related symptoms or be asymptomatic (see for example: Cheng et al. 2013. PubMed ID: 24153155; Niizeki et al. 2014. PubMed ID: 24929850; Umeno et al. 2018. PubMed ID: 29313109; Xu et al. 2021. PubMed ID: 33852188). This variant is reported in 0.028% of alleles in individuals of East Asian descent in gnomAD and is consistently interpreted as pathogenic in ClinVar (Variation ID: 225477). Nonsense variants in SLCO2A1 are expected to be pathogenic. This variant is interpreted as pathogenic for autosomal recessive PHO; and, may be associated with mild clinical features in heterozygous carriers.

3billion
Classification: Pathogenic for Hypertrophic osteoarthropathy, primary, autosomal recessive, 2. Last evaluated: 2025-09-25. Review status: criteria provided, single submitter. Criteria: ACMG Guidelines, 2015. Collection method: clinical testing. Allele origin: germline. Affected: yes.
Comment: The variant is observed at an extremely low frequency in the gnomAD v4.1.0 dataset (total allele frequency: 0.001%). Predicted Consequence/Location: Stop-gained (nonsense): predicted to result in a loss or disruption of normal protein function through protein truncation. The predicted truncated protein may be shortened by less than 10%. The variant has been reported to be in trans with a pathogenic variant as either compound heterozygous or homozygous in at least 2 similarly affected unrelated individuals (PMID: 24153155, 24929850). The variant has been reported at least twice as pathogenic with clinical assertions and evidence for the classification (ClinVar ID: VCV000225477 /PMID: 24153155 /3billion dataset). Therefore, this variant is classified as Pathogenic according to the recommendation of ACMG/AMP guideline.

Genomic Medicine Center of Excellence, King Faisal Specialist Hospital and Research Centre
Classification: Pathogenic for Hypertrophic osteoarthropathy, primary, autosomal recessive, 2. Last evaluated: 2025-09-10. Review status: criteria provided, single submitter. Criteria: ACMG Guidelines, 2015. Collection method: clinical testing. Allele origin: germline.

Labcorp Genetics (formerly Invitae), Labcorp
Classification: Pathogenic. Last evaluated: 2022-03-03. Review status: criteria provided, single submitter. Criteria: Invitae Variant Classification Sherloc (09022015). Collection method: clinical testing. Allele origin: germline.
Comment: This sequence change creates a premature translational stop signal (p.Arg603*) in the SLCO2A1 gene. While this is not anticipated to result in nonsense mediated decay, it is expected to disrupt the last 41 amino acid(s) of the SLCO2A1 protein. This variant is present in population databases (rs776813259, gnomAD 0.03%). This premature translational stop signal has been observed in individual(s) with hypertrophic osteoarthropathy (PMID: 24153155, 24929850). In at least one individual the data is consistent with being in trans (on the opposite chromosome) from a pathogenic variant. ClinVar contains an entry for this variant (Variation ID: 225477). For these reasons, this variant has been classified as Pathogenic.

Soonchunhyang University Bucheon Hospital, Soonchunhyang University Medical Center
Classification: Pathogenic for Hypertrophic osteoarthropathy, primary, autosomal recessive, 2. Last evaluated: 2016-03-18. Review status: criteria provided, single submitter. Criteria: ACMG Guidelines, 2015. Collection method: reference population. Allele origin: germline. Observed: 1 variant allele.

OMIM
Classification: Pathogenic for PHOAR2-ENTEROPATHY SYNDROME. Last evaluated: 2024-02-13. Review status: no assertion criteria provided. Collection method: literature only. Allele origin: germline. Not counted in ClinVar's aggregate classification.

OMIM
Classification: Pathogenic for HYPERTROPHIC OSTEOARTHROPATHY, PRIMARY, AUTOSOMAL DOMINANT. Last evaluated: 2024-02-13. Review status: no assertion criteria provided. Collection method: literature only. Allele origin: germline. Not counted in ClinVar's aggregate classification.

Literature cited by the submitters: PubMed 24929850 (cited by 3billion and Labcorp Genetics (formerly Invitae), Labcorp); PubMed 24153155 (cited by 3 submitters); PubMed 26539716 (cited by OMIM); PubMed 27134495 (cited by OMIM); PubMed 28425581 (cited by OMIM); PubMed 29313109 (cited by OMIM); PubMed 33852188 (cited by OMIM).

NM_005630.3(SLCO2A1):c.1807C>T (p.Arg603Ter)

Gene: SLCO2A1 (solute carrier organic anion transporter family member 2A1; minus strand). Cytogenetic location: 3q22.1.
Variant type: single nucleotide variant.
Coding change: c.1807C>T on transcript NM_005630.3 (MANE Select); coding-DNA position 1807, C replaced by T.
Protein change: p.Arg603Ter; replaces arginine 603 with a stop codon.
Molecular consequence: nonsense.
Genome position (GRCh38, 1-based): chr3:133,935,781, G>A on the plus strand (C>T on the coding strand, the complement: SLCO2A1 is on the minus strand). VCF-style: chr3-133935781-G-A. GRCh37 (hg19) VCF-style: chr3-133654625-G-A.
Other names: short protein forms R603*.
Identifiers: ClinVar variation 225477 (VCV000225477.13), dbSNP rs776813259, ClinGen allele CA2626315.